The following is an entry in ClinVar:

ClinVar aggregate classification (germline): Uncertain significance (1 of 4 stars; one submission).

Allele frequency attached by ClinVar (database versions not stated): ESP Exome Variant Server 0.00008; 1000 Genomes Project 30x 0.00031.
gnomAD v4.1: 283 of 1,613,946 alleles (0.018%); highest among the groups gnomAD compares: Non-Finnish European, 0.023%; no homozygotes.

Submission:

Labcorp Genetics (formerly Invitae), Labcorp
Classification: Uncertain significance. Last evaluated: 2022-07-30. Review status: criteria provided, single submitter. Criteria: Invitae Variant Classification Sherloc (09022015). Collection method: clinical testing. Allele origin: germline.
Comment: This sequence change replaces arginine, which is basic and polar, with serine, which is neutral and polar, at codon 1000 of the TMPRSS15 protein (p.Arg1000Ser). This variant is present in population databases (rs146695857, gnomAD 0.01%). This variant has not been reported in the literature in individuals affected with TMPRSS15-related conditions. Algorithms developed to predict the effect of missense changes on protein structure and function are either unavailable or do not agree on the potential impact of this missense change (SIFT: "Not Available"; PolyPhen-2: "Probably Damaging"; Align-GVGD: "Not Available"). In summary, the available evidence is currently insufficient to determine the role of this variant in disease. Therefore, it has been classified as a Variant of Uncertain Significance.

NM_002772.3(TMPRSS15):c.2998C>A (p.Arg1000Ser)

Gene: TMPRSS15 (transmembrane serine protease 15; minus strand). Cytogenetic location: 21q21.1.
Variant type: single nucleotide variant.
Coding change: c.2998C>A on transcript NM_002772.3 (MANE Select); coding-DNA position 2998, C replaced by A.
Protein change: p.Arg1000Ser; replaces arginine 1000 with serine.
Molecular consequence: missense variant.
Genome position (GRCh38, 1-based): chr21:18,270,031, G>T on the plus strand (C>A on the coding strand, the complement: TMPRSS15 is on the minus strand). VCF-style: chr21-18270031-G-T. GRCh37 (hg19) VCF-style: chr21-19642348-G-T.
Other names: short protein forms R1000S.
Identifiers: ClinVar variation 2068350 (VCV002068350.1), dbSNP rs146695857, ClinGen allele CA9983844.